The following is an entry in ClinVar:

NM_002439.5(MSH3):c.2555A>G (p.Gln852Arg)

Gene: MSH3 (mutS homolog 3; plus strand). Cytogenetic location: 5q14.1.
Variant type: single nucleotide variant.
Coding change: c.2555A>G on transcript NM_002439.5 (MANE Select); coding-DNA position 2555, A replaced by G.
Protein change: p.Gln852Arg; replaces glutamine 852 with arginine.
Molecular consequence: missense variant.
Genome position (GRCh38, 1-based): chr5:80,792,744, A>G. VCF-style: chr5-80792744-A-G. GRCh37 (hg19) VCF-style: chr5-80088563-A-G.
Other names: short protein forms Q852R.
Identifiers: ClinVar variation 1793004 (VCV001793004.2), dbSNP rs1291821715, ClinGen allele CA360272847.

ClinVar aggregate classification (germline): Uncertain significance (1 of 4 stars; one submission).

Conditions:
Hereditary cancer-predisposing syndrome. Also called: Tumor predisposition; Hereditary Cancer Syndrome; Neoplastic Syndromes, Hereditary; Hereditary neoplastic syndrome. Identifiers: Orphanet 140162, MedGen C0027672, MeSH D009386, MONDO:0015356.

Allele frequency attached by ClinVar (database versions not stated): gnomAD exomes below 0.00001.
gnomAD v4.1: 1 of 1,609,924 alleles (0.000062%); highest among the groups gnomAD compares: Non-Finnish European, 0.000085%; no homozygotes.

Submission:

Ambry Genetics
Classification: Uncertain significance for Hereditary cancer-predisposing syndrome. Last evaluated: 2022-07-10. Review status: criteria provided, single submitter. Criteria: Ambry Variant Classification Scheme 2023. Collection method: clinical testing. Allele origin: germline.
Comment: The p.Q852R variant (also known as c.2555A>G), located in coding exon 19 of the MSH3 gene, results from an A to G substitution at nucleotide position 2555. The glutamine at codon 852 is replaced by arginine, an amino acid with highly similar properties. This amino acid position is conserved. In addition, this alteration is predicted to be tolerated by in silico analysis. Since supporting evidence is limited at this time, the clinical significance of this alteration remains unclear.